The following is an entry in ClinVar:

ClinVar aggregate classification (germline): Uncertain significance (1 of 4 stars; one submission).

Submission:

Labcorp Genetics (formerly Invitae), Labcorp
Classification: Uncertain significance. Last evaluated: 2025-12-06. Review status: criteria provided, single submitter. Criteria: Invitae Variant Classification Sherloc (09022015). Collection method: clinical testing. Allele origin: germline.
Comment: This sequence change replaces proline, which is neutral and non-polar, with threonine, which is neutral and polar, at codon 350 of the RELA protein (p.Pro350Thr). This variant is not present in population databases (gnomAD no frequency). This variant has not been reported in the literature in individuals affected with RELA-related conditions. An algorithm developed to predict the effect of missense changes on protein structure and function outputs the following: PolyPhen-2: "Benign". The threonine amino acid residue is found in multiple mammalian species, which suggests that this missense change does not adversely affect protein function. In summary, the available evidence is currently insufficient to determine the role of this variant in disease. Therefore, it has been classified as a Variant of Uncertain Significance.

NM_021975.4(RELA):c.1048C>A (p.Pro350Thr)

Gene: RELA (RELA proto-oncogene, NF-kB subunit; minus strand). Cytogenetic location: 11q13.1.
Variant type: single nucleotide variant.
Coding change: c.1048C>A on transcript NM_021975.4 (MANE Select); coding-DNA position 1048, C replaced by A.
Protein change: p.Pro350Thr; replaces proline 350 with threonine.
Molecular consequence: missense variant. On other transcripts: intron variant (1).
Genome position (GRCh38, 1-based): chr11:65,654,986, G>T on the plus strand (C>A on the coding strand, the complement: RELA is on the minus strand). VCF-style: chr11-65654986-G-T. GRCh37 (hg19) VCF-style: chr11-65422457-G-T.
Other names: c.1039C>A, p.Pro347Thr (NM_001145138.2); c.1048C>A, p.Pro350Thr (NM_001243985.2); c.1081C>A, p.Pro361Thr (NM_001404657.1); c.1021C>A, p.Pro341Thr (NM_001404658.1); c.835C>A, p.Pro279Thr (NM_001404659.1); c.730C>A, p.Pro244Thr (NM_001404660.1); c.667C>A, p.Pro223Thr (NM_001404661.1); c.955C>A, p.Pro319Thr (NM_001404662.1, NM_001404663.1); and 1 more; short protein forms P319T, P223T, P347T, P350T, P361T, P341T, P244T, P279T.
Identifiers: ClinVar variation 4732641 (VCV004732641.1).